The following is an entry in ClinVar:

NM_020778.5(ALPK3):c.4486G>T (p.Gly1496Trp)

Gene: ALPK3 (alpha kinase 3; plus strand). Cytogenetic location: 15q25.3.
Variant type: single nucleotide variant.
Coding change: c.4486G>T on transcript NM_020778.5 (MANE Select); coding-DNA position 4486, G replaced by T.
Protein change: p.Gly1496Trp; replaces glycine 1496 with tryptophan.
Molecular consequence: missense variant.
Genome position (GRCh38, 1-based): chr15:84,863,627, G>T. VCF-style: chr15-84863627-G-T. GRCh37 (hg19) VCF-style: chr15-85406858-G-T.
Other names: short protein forms G1496W.
Identifiers: ClinVar variation 3291695 (VCV003291695.1).

ClinVar aggregate classification (germline): Uncertain significance (1 of 4 stars; one submission).

Conditions:
Cardiovascular phenotype. Identifiers: MedGen CN230736.

gnomAD v4.1: 1 of 1,613,842 alleles (0.000062%); highest among the groups gnomAD compares: African/African-American, 0.0013%; no homozygotes.

Submission:

Ambry Genetics
Classification: Uncertain significance for Cardiovascular phenotype. Last evaluated: 2024-05-22. Review status: criteria provided, single submitter. Criteria: Ambry Variant Classification Scheme 2023. Collection method: clinical testing. Allele origin: germline.
Comment: The p.G1698W variant (also known as c.5092G>T), located in coding exon 11 of the ALPK3 gene, results from a G to T substitution at nucleotide position 5092. The glycine at codon 1698 is replaced by tryptophan, an amino acid with highly dissimilar properties. This amino acid position is conserved. In addition, this alteration is predicted to be tolerated by in silico analysis. Based on the available evidence, the clinical significance of this variant remains unclear.